The following is an entry in ClinVar:

ClinVar aggregate classification (germline): Likely benign. Review status: criteria provided, multiple submitters, no conflicts (2 of 4 stars). 2 submissions from 2 submitters: Likely benign (2). Last evaluated 2025-06-04.

Conditions:
Renal tubular dysgenesis. Also called: Renotubular dysgenesis. Identifiers: Orphanet 3033, MedGen C0266313, MONDO:0017609, HP:0008660.

Allele frequency attached by ClinVar (database versions not stated): gnomAD 0.00007 and 0.00021; TOPMed 0.00014; gnomAD exomes 0.00030 and 0.00063; ExAC 0.00067; 1000 Genomes Project 0.00100; 1000 Genomes Project 30x 0.00109.
gnomAD v4.1: 477 of 1,614,084 alleles (0.03%); highest among the groups gnomAD compares: South Asian, 0.39%; 6 homozygotes.

Submissions (2):

Labcorp Genetics (formerly Invitae), Labcorp
Classification: Likely benign. Last evaluated: 2025-06-04. Review status: criteria provided, single submitter. Criteria: Invitae Variant Classification Sherloc (09022015). Collection method: clinical testing. Allele origin: germline.

Illumina Laboratory Services, Illumina
Classification: Likely benign for Renal tubular dysgenesis of genetic origin. Last evaluated: 2017-04-28. Review status: criteria provided, single submitter. Criteria: ICSL Variant Classification Criteria 13 December 2019. Collection method: clinical testing. Allele origin: germline.
Comment: This variant was observed as part of a predisposition screen in an ostensibly healthy population. A literature search was performed for the gene, cDNA change, and amino acid change (where applicable). No publications were found based on this search. Allele frequency data from public databases allowed determination this variant is unlikely to cause disease. Therefore, this variant is classified as likely benign.

NM_000685.5(AGTR1):c.487G>A (p.Ala163Thr)

Gene: AGTR1 (angiotensin II receptor type 1; plus strand). Cytogenetic location: 3q24.
Variant type: single nucleotide variant.
Coding change: c.487G>A on transcript NM_000685.5 (MANE Select); coding-DNA position 487, G replaced by A.
Protein change: p.Ala163Thr; replaces alanine 163 with threonine.
Molecular consequence: missense variant.
Genome position (GRCh38, 1-based): chr3:148,741,522, G>A. VCF-style: chr3-148741522-G-A. GRCh37 (hg19) VCF-style: chr3-148459309-G-A.
Other names: c.487G>A, p.Ala163Thr (NM_001382736.1, NM_001382737.1, NM_004835.5 and 3 more transcripts); short protein forms A163T, A198T.
Identifiers: ClinVar variation 716448 (VCV000716448.13), dbSNP rs12721226, ClinGen allele CA2657336.
Genomic context (GRCh38, chr3:148,741,522, plus strand): 5'-CTTGTAGCCAAAGTCACCTGCATCATCATTTGGCTGCTGGCAGGCTTGGCCAGTTTGCCA[G>A]CTATAATCCATCGAAATGTATTTTTCATTGAGAACACCAATATTACAGTTTGTGCTTTCC-3'
Protein context (NP_000676.1, residues 153-173): WLLAGLASLP[Ala163Thr]IIHRNVFFIE